The following is an entry in ClinVar:

ClinVar aggregate classification (germline): Likely benign. Review status: criteria provided, multiple submitters, no conflicts (2 of 4 stars). 4 submissions from 4 submitters: Likely benign (4). Last evaluated 2026-01-14.

Conditions:
Wilson disease (WND). Also called: Wilson's disease. Identifiers: Orphanet 905, MedGen C0019202, MONDO:0010200, OMIM 277900. Disease mechanism: loss of function.

Allele frequency attached by ClinVar (database versions not stated): gnomAD exomes 0.00003.
gnomAD v4.1: 19 of 1,613,844 alleles (0.0012%); highest among the groups gnomAD compares: East Asian, 0.0089%; no homozygotes.

Submissions (4):

Labcorp Genetics (formerly Invitae), Labcorp
Classification: Likely benign for Wilson disease. Last evaluated: 2026-01-14. Review status: criteria provided, single submitter. Criteria: Invitae Variant Classification Sherloc (09022015). Collection method: clinical testing. Allele origin: germline.

All of Us Research Program, National Institutes of Health
Classification: Likely benign for Wilson disease. Last evaluated: 2023-02-22. Review status: criteria provided, single submitter. Criteria: ACMG Guidelines, 2015. Collection method: clinical testing. Allele origin: germline. Inheritance: Autosomal recessive inheritance. Observed: 4 variant alleles, 4 heterozygotes.
Comment: This study involves interpretation of variants in research participants for the purpose of population health screening. Participant phenotype was not available at the time of variant classification. Additional details can be found in publication PMID: 35346344, PMCID: PMC8962531

Color Diagnostics, LLC DBA Color Health
Classification: Likely benign for Wilson disease. Last evaluated: 2022-08-05. Review status: criteria provided, single submitter. Criteria: ACMG Guidelines, 2015. Collection method: clinical testing. Allele origin: germline.

Genetic Services Laboratory, University of Chicago
Classification: Likely benign. Last evaluated: 2018-03-28. Review status: criteria provided, single submitter. Criteria: ACMG Guidelines, 2015. Collection method: clinical testing. Allele origin: germline. Affected: no.

NM_000053.4(ATP7B):c.2826C>T (p.Ile942=)

Gene: ATP7B (ATPase copper transporting beta; minus strand). Cytogenetic location: 13q14.3.
Variant type: single nucleotide variant.
Coding change: c.2826C>T on transcript NM_000053.4 (MANE Select); coding-DNA position 2826, C replaced by T.
Protein change: p.Ile942=; no amino-acid change (isoleucine 942 retained).
Molecular consequence: synonymous variant. On other transcripts: intron variant (1).
Genome position (GRCh38, 1-based): chr13:51,949,701, G>A on the plus strand (C>T on the coding strand, the complement: ATP7B is on the minus strand). VCF-style: chr13-51949701-G-A. GRCh37 (hg19) VCF-style: chr13-52523837-G-A.
Other names: c.2493C>T, p.Ile831= (NM_001243182.2); c.2592C>T, p.Ile864= (NM_001330578.2); c.2574C>T, p.Ile858= (NM_001330579.2); c.2244+306C>T (NM_001005918.3).
Identifiers: ClinVar variation 1151720 (VCV001151720.13), dbSNP rs758712064, ClinGen allele CA6988901.
Genomic context (GRCh38, chr13:51,949,701, plus strand): 5'-AGCCCAAGGCATTCAACTTACAGGAAAGTATCTCTGAACAACACCAAAATCGATAAAACC[G>A]ATTACAATCCATACCACCAACGTCAAAGTTGACATGATGATGATAAATGGGACAAAATAT-3'
Protein context (NP_000044.2, residues 932-952): STLTLVVWIV[Ile942=]GFIDFGVVQR